The following is an entry in ClinVar:

NM_024675.4(PALB2):c.791A>G (p.His264Arg)

Gene: PALB2 (partner and localizer of BRCA2; minus strand). Cytogenetic location: 16p12.2.
Variant type: single nucleotide variant.
Coding change: c.791A>G on transcript NM_024675.4 (MANE Select); coding-DNA position 791, A replaced by G.
Protein change: p.His264Arg; replaces histidine 264 with arginine.
Molecular consequence: missense variant.
Genome position (GRCh38, 1-based): chr16:23,635,755, T>C on the plus strand (A>G on the coding strand, the complement: PALB2 is on the minus strand). VCF-style: chr16-23635755-T-C. GRCh37 (hg19) VCF-style: chr16-23647076-T-C.
Other names: c.731A>G, p.His244Arg (NM_001407296.1); c.791A>G, p.His264Arg (NM_001407297.1, NM_001407298.1, NM_001407299.1 and 3 more transcripts); c.-95A>G (NM_001407304.1, NM_001407305.1, NM_001407306.1 and 5 more transcripts); short protein forms H264R, H244R.
Identifiers: ClinVar variation 1761207 (VCV001761207.3), dbSNP rs2142434378, ClinGen allele CA395136038.

ClinVar aggregate classification (germline): Uncertain significance. Review status: criteria provided, multiple submitters, no conflicts (2 of 4 stars). 2 submissions from 2 submitters: Uncertain significance (2). Last evaluated 2023-08-16.

Conditions:
Hereditary cancer-predisposing syndrome. Also called: Neoplastic Syndromes, Hereditary; Tumor predisposition; Hereditary Cancer Syndrome; Hereditary neoplastic syndrome. Identifiers: Orphanet 140162, MedGen C0027672, MeSH D009386, MONDO:0015356.
Familial cancer of breast. Also called: Hereditary breast cancer; BREAST CANCER, FAMILIAL; hereditary breast carcinoma. Identifiers: Orphanet 227535, MedGen C0346153, MONDO:0016419, OMIM 114480. Disease mechanism: loss of function.

Submissions (2):

Labcorp Genetics (formerly Invitae), Labcorp
Classification: Uncertain significance for Familial cancer of breast. Last evaluated: 2023-08-16. Review status: criteria provided, single submitter. Criteria: Invitae Variant Classification Sherloc (09022015). Collection method: clinical testing. Allele origin: germline.
Comment: In summary, the available evidence is currently insufficient to determine the role of this variant in disease. Therefore, it has been classified as a Variant of Uncertain Significance. Algorithms developed to predict the effect of missense changes on protein structure and function output the following: SIFT: "Not Available"; PolyPhen-2: "Benign"; Align-GVGD: "Not Available". The arginine amino acid residue is found in multiple mammalian species, which suggests that this missense change does not adversely affect protein function. ClinVar contains an entry for this variant (Variation ID: 1761207). This variant has not been reported in the literature in individuals affected with PALB2-related conditions. This variant is not present in population databases (gnomAD no frequency). This sequence change replaces histidine, which is basic and polar, with arginine, which is basic and polar, at codon 264 of the PALB2 protein (p.His264Arg).

Ambry Genetics
Classification: Uncertain significance for Hereditary cancer-predisposing syndrome. Last evaluated: 2021-08-30. Review status: criteria provided, single submitter. Criteria: Ambry Variant Classification Scheme 2023. Collection method: clinical testing. Allele origin: germline.
Comment: The p.H264R variant (also known as c.791A>G), located in coding exon 4 of the PALB2 gene, results from an A to G substitution at nucleotide position 791. The histidine at codon 264 is replaced by arginine, an amino acid with highly similar properties. This amino acid position is conserved. In addition, this alteration is predicted to be tolerated by in silico analysis. Since supporting evidence is limited at this time, the clinical significance of this alteration remains unclear.